The following is an entry in ClinVar:

ClinVar aggregate classification (germline): Likely pathogenic (1 of 4 stars; one submission).

Conditions:
Severe combined immunodeficiency due to DCLRE1C deficiency (RS-SCID). Also called: SCID, AUTOSOMAL RECESSIVE, T CELL-NEGATIVE, B CELL-NEGATIVE, NK CELL-POSITIVE, WITH SENSITIVITY TO IONIZING RADIATION. Identifiers: Orphanet 275, MedGen C1865371, MONDO:0011225, OMIM 602450.

Submission:

Labcorp Genetics (formerly Invitae), Labcorp
Classification: Likely pathogenic for Athabaskan severe combined immunodeficiency. Last evaluated: 2024-01-15. Review status: criteria provided, single submitter. Criteria: Invitae Variant Classification Sherloc (09022015). Collection method: clinical testing. Allele origin: germline.
Comment: This variant results in the deletion of part of exon 6 (c.426_464+123del) of the DCLRE1C gene. It is expected to disrupt RNA splicing. Variants that disrupt the donor or acceptor splice site typically lead to a loss of protein function (PMID: 16199547), and loss-of-function variants in DCLRE1C are known to be pathogenic (PMID: 21664875, 26123418). This variant is not present in population databases (gnomAD no frequency). This variant has not been reported in the literature in individuals affected with DCLRE1C-related conditions. In summary, the currently available evidence indicates that the variant is pathogenic, but additional data are needed to prove that conclusively. Therefore, this variant has been classified as Likely Pathogenic.

Literature cited by the submitters: PubMed 16199547; PubMed 21664875; PubMed 26123418.

NM_001033855.3(DCLRE1C):c.426_464+123del

Gene: DCLRE1C (DNA cross-link repair 1C; minus strand). Cytogenetic location: 10p13.
Variant type: Deletion.
Coding change: c.426_464+123del on transcript NM_001033855.3 (MANE Select); coding-DNA position 426 through 123 bases into the intron after coding-DNA position 464, 162 bases deleted.
Molecular consequence: splice donor variant.
Genome position (GRCh38, 1-based): chr10:14,935,340-14,935,501, 162 bases deleted. GRCh37 (hg19): chr10:14,977,342-14,977,503.
Other names: c.81_119+123del (NM_001350966.2, NM_001289078.2, NM_001289076.2 and 1 more transcripts); c.426_464+123del (NM_001350965.2); c.66_104+123del (NM_001350967.2, NM_001289077.2, NM_001289079.2 and 2 more transcripts).
Identifiers: ClinVar variation 2709505 (VCV002709505.3), dbSNP rs2492034634, ClinGen allele CA2697558267.